The following is an entry in ClinVar:

ClinVar aggregate classification (germline): Benign/Likely benign. Review status: criteria provided, multiple submitters, no conflicts (2 of 4 stars). 6 submissions from 6 submitters: Benign (1); Likely benign (5). Last evaluated 2026-06-02.

Conditions:
Inborn genetic diseases. Identifiers: MedGen C0950123, MeSH D030342.
Hereditary sensory neuropathy-deafness-dementia syndrome. Also called: NEUROPATHY, HEREDITARY SENSORY, WITH HEARING LOSS AND DEMENTIA; Hereditary sensory neuropathy type IE; HSN IE; Hereditary Sensory and Autonomic Neuropathy Type 1E (HSAN1E). Identifiers: Orphanet 456318, MedGen C3279885, MONDO:0013584, OMIM 614116.
DNMT1-related disorder. Also called: DNMT1-related condition. Identifiers: MedGen CN381527.

Submissions (6):

PreventionGenetics, part of Exact Sciences
Classification: Likely benign for DNMT1-related condition. Last evaluated: 2026-06-02. Review status: criteria provided, single submitter. Criteria: ACMG Guidelines, 2015. Collection method: clinical testing. Allele origin: germline.
Comment: This variant is classified as likely benign based on ACMG/AMP sequence variant interpretation guidelines (Richards et al. 2015 PMID: 25741868, with internal and published modifications).

Women's Health and Genetics/Laboratory Corporation of America, LabCorp
Classification: Benign. Last evaluated: 2026-06-02. Review status: criteria provided, single submitter. Criteria: LabCorp Variant Classification Summary - May 2015. Collection method: clinical testing. Allele origin: germline.
Comment: Variant summary: DNMT1 c.3949-5dupC alters a nucleotide located at a position not widely known to affect splicing. Consensus agreement among computation tools predict no significant impact on normal splicing. However, these predictions have yet to be confirmed by functional studies. The variant allele was found at a frequency of 8.4e-05 in 237552 control chromosomes, predominantly at a frequency of 0.00097 within the African or African-American subpopulation in the gnomAD database. The observed variant frequency within African or African-American control individuals in the gnomAD database exceeds the estimated maximal expected allele frequency for disease-causing variants in DNMT1. To our knowledge, no occurrence of c.3949-5dupC in individuals affected with DNMT1-related conditions and no experimental evidence demonstrating its impact on protein function have been reported. ClinVar contains an entry for this variant (Variation ID: 784851). Based on the evidence outlined above, the variant was classified as benign.

Labcorp Genetics (formerly Invitae), Labcorp
Classification: Likely benign for Hereditary sensory neuropathy-deafness-dementia syndrome. Last evaluated: 2025-06-12. Review status: criteria provided, single submitter. Criteria: Invitae Variant Classification Sherloc (09022015). Collection method: clinical testing. Allele origin: germline.

Blueprint Genetics
Classification: Likely benign. Last evaluated: 2023-03-06. Review status: criteria provided, single submitter. Criteria: ACMG Guidelines, 2015. Collection method: clinical testing. Allele origin: germline.

Ambry Genetics
Classification: Likely benign for Inborn genetic diseases. Last evaluated: 2019-12-19. Review status: criteria provided, single submitter. Criteria: Ambry Variant Classification Scheme 2023. Collection method: clinical testing. Allele origin: germline.

GeneDx
Classification: Likely benign. Last evaluated: 2019-02-04. Review status: criteria provided, single submitter. Criteria: GeneDx Variant Classification Process June 2021. Collection method: clinical testing. Allele origin: germline. Affected: yes.

NM_001130823.3(DNMT1):c.3949-9dup

Gene: DNMT1 (DNA methyltransferase 1; minus strand). Cytogenetic location: 19p13.2.
Variant type: Duplication.
Coding change: c.3949-9dup on transcript NM_001130823.3 (MANE Select); 9 bases into the intron before coding-DNA position 3949, one base duplicated (C; older notation c.3949-9dupC).
Molecular consequence: intron variant.
Genome position (GRCh38, 1-based): chr19:10,138,610, G duplicated on the plus strand (C on the coding strand, the reverse complement: DNMT1 is on the minus strand); the first of 5 consecutive G bases (chr19:10,138,610-10,138,614); duplicating any one gives the same sequence. VCF-style (leftmost placement, unchanged base first): chr19-10138609-T-TG. GRCh37 (hg19) VCF-style: chr19-10249285-T-TG.
Other names: c.3949-5dupC (NM_001130823.3, NM_001130823.2); c.3586-9dup (NM_001318731.2); c.3901-9dup (NM_001379.4, NM_001318730.2).
Identifiers: ClinVar variation 784851 (VCV000784851.19), dbSNP rs780030001, ClinGen allele CA9187621.